The following is an entry in ClinVar:

ClinVar aggregate classification (germline): Pathogenic (1 of 4 stars; one submission).

Submission:

Labcorp Genetics (formerly Invitae), Labcorp
Classification: Pathogenic. Last evaluated: 2024-01-15. Review status: criteria provided, single submitter. Criteria: Invitae Variant Classification Sherloc (09022015). Collection method: clinical testing. Allele origin: germline.
Comment: This sequence change creates a premature translational stop signal (p.Gly49Trpfs*8) in the LRP2 gene. It is expected to result in an absent or disrupted protein product. Loss-of-function variants in LRP2 are known to be pathogenic (PMID: 17632512, 25682901). This variant is not present in population databases (gnomAD no frequency). This variant has not been reported in the literature in individuals affected with LRP2-related conditions. For these reasons, this variant has been classified as Pathogenic.

Literature cited by the submitters: PubMed 17632512; PubMed 25682901.

NM_004525.3(LRP2):c.144dup (p.Gly49fs)

Gene: LRP2 (LDL receptor related protein 2; minus strand). Cytogenetic location: 2q31.1.
Variant type: Duplication.
Coding change: c.144dup on transcript NM_004525.3 (MANE Select); coding-DNA position 144, one base duplicated (T; older notation c.144dupT).
Protein change: p.Gly49fs; shifts the reading frame from glycine 49.
Molecular consequence: frameshift variant.
Genome position (GRCh38, 1-based): chr2:169,320,820, A duplicated on the plus strand (T on the coding strand, the reverse complement: LRP2 is on the minus strand). VCF-style (leftmost placement, unchanged base first): chr2-169320819-C-CA. GRCh37 (hg19) VCF-style: chr2-170177329-C-CA.
Other names: short protein forms G49fs.
Identifiers: ClinVar variation 2709452 (VCV002709452.3), dbSNP rs2528671501, ClinGen allele CA2697551347.